The following is an entry in ClinVar:

NM_133379.5(TTN):c.14767A>G (p.Thr4923Ala)

Genes: TTN (titin; minus strand), LOC126806432 (CDK7 strongly-dependent group 2 enhancer GRCh37_chr2:179611985-179613184; plus strand). Cytogenetic location: 2q31.2.
Variant type: single nucleotide variant.
Coding change: c.14767A>G on transcript NM_133379.5; coding-DNA position 14767, A replaced by G.
Protein change: p.Thr4923Ala; replaces threonine 4923 with alanine.
Molecular consequence: missense variant. On other transcripts: intron variant (6).
Genome position (GRCh38, 1-based): chr2:178,747,633, T>C on the plus strand (A>G on the coding strand, the complement: TTN is on the minus strand). VCF-style: chr2-178747633-T-C. GRCh37 (hg19) VCF-style: chr2-179612360-T-C.
Other names: c.10222+5491A>G (NM_003319.4); c.10798+5491A>G (NM_133437.4); c.10597+5491A>G (NM_133432.3); c.10360+5491A>G (NM_133378.4, NM_001256850.1); c.11311+5491A>G (NM_001267550.2); short protein forms T4923A.
Identifiers: ClinVar variation 229586 (VCV000229586.10), dbSNP rs773571719, ClinGen allele CA2003214.
Genomic context (GRCh38, chr2:178,747,633, plus strand): 5'-CTTCTTCCACCTCCATTGAAGTGATTGATTCACTCTGGACAAGCTTTGCCTGGTCTCTGG[T>C]GTCTTTAGTTTCAGGAACCTCACGCTTTCCAGCAGCAAGTAAATATTGTGTTAGGGAGGT-3'

ClinVar aggregate classification (germline): Uncertain significance. Review status: criteria provided, multiple submitters, no conflicts (2 of 4 stars). 3 submissions from 3 submitters: Uncertain significance (3). Last evaluated 2025-11-17.

Conditions:
TTN-related disorder. Also called: TTN-related disorders; TTN-related condition; TTN-related disease.

Allele frequency attached by ClinVar (database versions not stated): TOPMed below 0.00001; ExAC 0.00003; gnomAD exomes 0.00003 and 0.00005.
gnomAD v4.1: 15 of 1,613,316 alleles (0.00093%); highest among the groups gnomAD compares: Admixed American, 0.025%; no homozygotes.

Submissions (3):

PreventionGenetics, part of Exact Sciences
Classification: Uncertain significance for TTN-related condition. Last evaluated: 2025-11-17. Review status: criteria provided, single submitter. Criteria: ACMG Guidelines, 2015. Collection method: clinical testing. Allele origin: germline.
Comment: The TTN c.11311+5491A>G variant is predicted to interfere with splicing. Of note, this variant is also referred to as c.14767A>G (p.Thr4923Ala), located in exon 46 of the alternative Novex-3 transcript NM_133379 (minor small cardiac isoform). This exon is not included in any other TTN transcripts (principle cardiac or skeletal muscle isoforms). To our knowledge, this variant has not been reported in the literature. This variant is reported in 0.035% of alleles in individuals of Latino descent in gnomAD. At this time, the clinical significance of this variant is uncertain due to the absence of conclusive functional and genetic evidence.

Eurofins Ntd Llc (ga)
Classification: Uncertain significance. Last evaluated: 2018-06-07. Review status: criteria provided, single submitter. Criteria: EGL ClinVar v180209 classification definitions. Collection method: clinical testing. Allele origin: germline. Observed: 1 variant allele, 1 heterozygote.

Laboratory for Molecular Medicine, Mass General Brigham Personalized Medicine
Classification: Uncertain significance. Last evaluated: 2017-06-02. Review status: criteria provided, single submitter. Criteria: LMM Criteria. Collection method: clinical testing. Allele origin: germline. Observed: 2 variant alleles.
Comment: It has been identified in 13/33446 Latino chromosomes by the Genome Aggregation Database (gnomAD). Computational prediction tools and conservation analysis are limited or unavailable for this variant. In summary, the clinical significance of the p.Thr4923Ala variant is uncertain.